The following is an entry in ClinVar:

ClinVar aggregate classification (germline): Uncertain significance. Review status: criteria provided, multiple submitters, no conflicts (2 of 4 stars). 2 submissions from 2 submitters: Uncertain significance (2). Last evaluated 2025-05-19.

Conditions:
Inborn genetic diseases. Identifiers: MedGen C0950123, MeSH D030342.

Allele frequency attached by ClinVar (database versions not stated): TOPMed below 0.00001; ExAC 0.00002; gnomAD exomes 0.00001.
gnomAD v4.1: 7 of 1,614,082 alleles (0.00043%); highest among the groups gnomAD compares: Admixed American, 0.01%; no homozygotes.

Submissions (2):

Ambry Genetics
Classification: Uncertain significance for Inborn genetic diseases. Last evaluated: 2025-05-19. Review status: criteria provided, single submitter. Criteria: Ambry Variant Classification Scheme 2023. Collection method: clinical testing. Allele origin: germline.

Labcorp Genetics (formerly Invitae), Labcorp
Classification: Uncertain significance. Last evaluated: 2022-09-27. Review status: criteria provided, single submitter. Criteria: Invitae Variant Classification Sherloc (09022015). Collection method: clinical testing. Allele origin: germline.
Comment: This sequence change replaces proline, which is neutral and non-polar, with leucine, which is neutral and non-polar, at codon 421 of the DHCR24 protein (p.Pro421Leu). This variant is present in population databases (rs750415577, gnomAD 0.02%). This variant has not been reported in the literature in individuals affected with DHCR24-related conditions. Advanced modeling of protein sequence and biophysical properties (such as structural, functional, and spatial information, amino acid conservation, physicochemical variation, residue mobility, and thermodynamic stability) has been performed at Invitae for this missense variant, however the output from this modeling did not meet the statistical confidence thresholds required to predict the impact of this variant on DHCR24 protein function. In summary, the available evidence is currently insufficient to determine the role of this variant in disease. Therefore, it has been classified as a Variant of Uncertain Significance.

NM_014762.4(DHCR24):c.1262C>T (p.Pro421Leu)

Gene: DHCR24 (24-dehydrocholesterol reductase; minus strand). Cytogenetic location: 1p32.3.
Variant type: single nucleotide variant.
Coding change: c.1262C>T on transcript NM_014762.4 (MANE Select); coding-DNA position 1262, C replaced by T.
Protein change: p.Pro421Leu; replaces proline 421 with leucine.
Molecular consequence: missense variant.
Genome position (GRCh38, 1-based): chr1:54,853,569, G>A on the plus strand (C>T on the coding strand, the complement: DHCR24 is on the minus strand). VCF-style: chr1-54853569-G-A. GRCh37 (hg19) VCF-style: chr1-55319242-G-A.
Other names: c.1262C>T (NM_014762.3); short protein forms P421L.
Identifiers: ClinVar variation 2185876 (VCV002185876.2), dbSNP rs750415577, ClinGen allele CA870592.
Genomic context (GRCh38, chr1:54,853,569, plus strand): 5'-CCATATGCTCCAATGTCGATGTAGAGCTCTGCCTCATTTCCTTTGGGGTGCACTAGGCCT[G>A]GCTGGCTGGGCAGGATGAACGGACACAGCCAGATGGGGTAGACCTGGGTAGACCAGGGAG-3'
Protein context (NP_055577.1, residues 411-431): WLCPFILPSQ[Pro421Leu]GLVHPKGNEA